The following is an entry in ClinVar:

NM_016203.4(PRKAG2):c.826A>G (p.Thr276Ala)

Gene: PRKAG2 (protein kinase AMP-activated non-catalytic subunit gamma 2; minus strand). Cytogenetic location: 7q36.1.
Variant type: single nucleotide variant.
Coding change: c.826A>G on transcript NM_016203.4 (MANE Select); coding-DNA position 826, A replaced by G.
Protein change: p.Thr276Ala; replaces threonine 276 with alanine.
Molecular consequence: missense variant.
Genome position (GRCh38, 1-based): chr7:151,595,383, T>C on the plus strand (A>G on the coding strand, the complement: PRKAG2 is on the minus strand). VCF-style: chr7-151595383-T-C. GRCh37 (hg19) VCF-style: chr7-151292469-T-C.
Other names: c.694A>G, p.Thr232Ala (NM_001040633.2); c.451A>G, p.Thr151Ala (NM_001304527.2); c.103A>G, p.Thr35Ala (NM_001304531.2, NM_024429.2); c.454A>G, p.Thr152Ala (NM_001363698.2); short protein forms T276A, T152A, T151A, T35A, T232A.
Identifiers: ClinVar variation 180089 (VCV000180089.5), dbSNP rs727505340, ClinGen allele CA014556.
Genomic context (GRCh38, chr7:151,595,383, plus strand): 5'-CATGAAAATGGAGTACACTTACTTGTAATGTAGTATCAAAGACAACAAGCTTTGAACTGG[T>C]TGGAACGATGTCATAACACTTGTGTGACCTCATGAATCGCATGTAAACACCACTTTCTGA-3'
Protein context (NP_057287.2, residues 266-286): RSHKCYDIVP[Thr276Ala]SSKLVVFDTT

ClinVar aggregate classification (germline): Uncertain significance (1 of 4 stars; one submission).

Allele frequency attached by ClinVar (database versions not stated): gnomAD exomes below 0.00001 and 0.00001.
gnomAD v4.1: 4 of 1,613,946 alleles (0.00025%); highest among the groups gnomAD compares: South Asian, 0.0044%; no homozygotes.

Submission:

Laboratory for Molecular Medicine, Mass General Brigham Personalized Medicine
Classification: Uncertain significance. Last evaluated: 2014-11-12. Review status: criteria provided, single submitter. Criteria: LMM Criteria. Collection method: clinical testing. Allele origin: germline. Observed: 3 variant alleles.
Comment: The p.Thr276Ala variant in PRKAG2 has not been previously reported in individual s with cardiomyopathy or in large population studies. Computational prediction t ools and conservation analysis do not provide strong support for or against an i mpact to the protein. In summary, the clinical significance of the p.Thr276Ala v ariant is uncertain.